The following is an entry in ClinVar:

ClinVar aggregate classification (germline): Uncertain significance (0 of 4 stars; one submission).

Conditions:
CEP164-related disorder. Also called: CEP164-related condition.

gnomAD v4.1: 1 of 1,614,016 alleles (0.000062%); highest among the groups gnomAD compares: Non-Finnish European, 0.000085%; no homozygotes.

Submission:

PreventionGenetics, part of Exact Sciences
Classification: Uncertain significance for CEP164-related condition. Last evaluated: 2024-07-25. Review status: no assertion criteria provided. Collection method: clinical testing. Allele origin: germline.
Comment: The CEP164 c.1583A>G variant is predicted to result in the amino acid substitution p.Gln528Arg. To our knowledge, this variant has not been reported in the literature or in gnomAD, indicating this variant is rare. At this time, the clinical significance of this variant is uncertain due to the absence of conclusive functional and genetic evidence.

NM_014956.5(CEP164):c.1583A>G (p.Gln528Arg)

Gene: CEP164 (centrosomal protein 164; plus strand). Cytogenetic location: 11q23.3.
Variant type: single nucleotide variant.
Coding change: c.1583A>G on transcript NM_014956.5 (MANE Select); coding-DNA position 1583, A replaced by G.
Protein change: p.Gln528Arg; replaces glutamine 528 with arginine.
Molecular consequence: missense variant.
Genome position (GRCh38, 1-based): chr11:117,382,801, A>G. VCF-style: chr11-117382801-A-G. GRCh37 (hg19) VCF-style: chr11-117253517-A-G.
Other names: c.1592A>G, p.Gln531Arg (NM_001271933.2); short protein forms Q528R, Q531R.
Identifiers: ClinVar variation 3347008 (VCV003347008.1).